The following is an entry in ClinVar:

NM_004789.4(LHX2):c.391G>T (p.Ala131Ser)

Gene: LHX2 (LIM homeobox 2; plus strand). Cytogenetic location: 9q33.3.
Variant type: single nucleotide variant.
Coding change: c.391G>T on transcript NM_004789.4 (MANE Select); coding-DNA position 391, G replaced by T.
Protein change: p.Ala131Ser; replaces alanine 131 with serine.
Molecular consequence: missense variant.
Genome position (GRCh38, 1-based): chr9:124,015,189, G>T. VCF-style: chr9-124015189-G-T. GRCh37 (hg19) VCF-style: chr9-126777468-G-T.
Other names: short protein forms A131S.
Identifiers: ClinVar variation 3773680 (VCV003773680.2).

ClinVar aggregate classification (germline): Uncertain significance (1 of 4 stars; one submission).

Conditions:
LHX2-associated neurodevelopmental disorder.

Submission:

Institute of Human Genetics, University of Leipzig Medical Center
Classification: Uncertain significance for LHX2-associated neurodevelopmental disorder. Last evaluated: 2025-03-04. Review status: criteria provided, single submitter. Criteria: ACMG Guidelines, 2015. Collection method: clinical testing. Allele origin: unknown. Inheritance: Autosomal dominant inheritance. Affected: yes.
Comment: Criteria applied: PM2_SUP,PP2,PP3

Literature cited by the submitters: PubMed 37057675.